The following is an entry in ClinVar:

NM_152564.5(VPS13B):c.3172G>T (p.Gly1058Ter)

Gene: VPS13B (vacuolar protein sorting 13 homolog B; plus strand). Cytogenetic location: 8q22.2.
Variant type: single nucleotide variant.
Coding change: c.3172G>T on transcript NM_152564.5 (MANE Select); coding-DNA position 3172, G replaced by T.
Protein change: p.Gly1058Ter; replaces glycine 1058 with a stop codon.
Molecular consequence: nonsense.
Genome position (GRCh38, 1-based): chr8:99,431,626, G>T. VCF-style: chr8-99431626-G-T. GRCh37 (hg19) VCF-style: chr8-100443854-G-T.
Other names: c.3172G>T, p.Gly1058Ter (NM_017890.5); short protein forms G1058*.
Identifiers: ClinVar variation 1726978 (VCV001726978.2), dbSNP rs2490099543, ClinGen allele CA371868289.

ClinVar aggregate classification (germline): Likely pathogenic (1 of 4 stars; one submission).

Conditions:
Cohen syndrome (COH1). Also called: PEPPER SYNDROME; Cutis verticis gyrata, retinitis pigmentosa, and sensorineural deafness. Identifiers: Orphanet 193, MedGen C0265223, MONDO:0008999, OMIM 216550.

Submission:

Myriad Genetics, Inc.
Classification: Likely pathogenic for Cohen syndrome. Last evaluated: 2022-03-20. Review status: criteria provided, single submitter. Criteria: Myriad Women's Health Autosomal Recessive and X-Linked Classification Criteria (2021). Collection method: clinical testing. Allele origin: unknown.
Comment: NM_017890.4(VPS13B):c.3172G>T(G1058*) is expected to be pathogenic in the context of Cohen syndrome. This variant is predicted to lead to an abnormal or absent protein product due to the creation of a premature termination codon in VPS13B, a gene where loss-of-function variants are known to be pathogenic. Please note: this variant was assessed in the context of healthy population screening.